The following is an entry in ClinVar:

NM_000038.6(APC):c.3666A>G (p.Ser1222=)

Gene: APC (APC regulator of Wnt signaling pathway; plus strand). Cytogenetic location: 5q22.2.
Variant type: single nucleotide variant.
Coding change: c.3666A>G on transcript NM_000038.6 (MANE Select); coding-DNA position 3666, A replaced by G.
Protein change: p.Ser1222=; no amino-acid change (serine 1222 retained).
Molecular consequence: synonymous variant.
Genome position (GRCh38, 1-based): chr5:112,839,260, A>G. VCF-style: chr5-112839260-A-G. GRCh37 (hg19) VCF-style: chr5-112174957-A-G.
Other names: c.3666A>G, p.Ser1222= (NM_001127510.3, NM_001354895.2); c.3612A>G, p.Ser1204= (NM_001127511.3); c.3720A>G, p.Ser1240= (NM_001354896.2); c.3696A>G, p.Ser1232= (NM_001354897.2); c.3591A>G, p.Ser1197= (NM_001354898.2); c.3582A>G, p.Ser1194= (NM_001354899.2); c.3543A>G, p.Ser1181= (NM_001354900.2); c.3489A>G, p.Ser1163= (NM_001354901.2); and 5 more.
Identifiers: ClinVar variation 920783 (VCV000920783.3), dbSNP rs1131691141, ClinGen allele CA445963832.

ClinVar aggregate classification (germline): Benign/Likely benign. Review status: criteria provided, multiple submitters, no conflicts (2 of 4 stars). 3 submissions from 3 submitters: Benign (1); Likely benign (2). Last evaluated 2024-03-21.

Conditions:
Hereditary cancer-predisposing syndrome. Also called: Neoplastic Syndromes, Hereditary; Tumor predisposition; Hereditary Cancer Syndrome; Hereditary neoplastic syndrome. Identifiers: Orphanet 140162, MedGen C0027672, MeSH D009386, MONDO:0015356.
Familial adenomatous polyposis 1 (FAP1). Also called: FAMILIAL ADENOMATOUS POLYPOSIS 1, ATTENUATED; POLYPOSIS, ADENOMATOUS INTESTINAL. Identifiers: MedGen C2713442, MONDO:0021056, OMIM 175100. Disease mechanism: loss of function.

Allele frequency attached by ClinVar (database versions not stated): gnomAD exomes below 0.00001; gnomAD 0.00001.
gnomAD v4.1: 3 of 1,614,074 alleles (0.00019%); highest among the groups gnomAD compares: Non-Finnish European, 0.000085%; no homozygotes.

Submissions (3):

Myriad Genetics, Inc.
Classification: Benign for Familial adenomatous polyposis 1. Last evaluated: 2024-03-21. Review status: criteria provided, single submitter. Criteria: Myriad Autosomal Dominant, Autosomal Recessive and X-Linked Classification Criteria (2023). Collection method: clinical testing. Allele origin: unknown.
Comment: This variant is considered benign. This variant is a silent/synonymous amino acid change and it is not expected to impact splicing.

Ambry Genetics
Classification: Likely benign for Hereditary cancer-predisposing syndrome. Last evaluated: 2023-09-27. Review status: criteria provided, single submitter. Criteria: Ambry Variant Classification Scheme 2023. Collection method: clinical testing. Allele origin: germline.

Color Diagnostics, LLC DBA Color Health
Classification: Likely benign for Hereditary cancer-predisposing syndrome. Last evaluated: 2020-02-24. Review status: criteria provided, single submitter. Criteria: ACMG Guidelines, 2015. Collection method: clinical testing. Allele origin: germline.